The following is an entry in ClinVar:

ClinVar aggregate classification (germline): Uncertain significance (1 of 4 stars; one submission).

Conditions:
FOXC1-related disorder. Also called: FOXC1-related condition.

Submission:

PreventionGenetics, part of Exact Sciences
Classification: Uncertain significance for FOXC1-related condition. Last evaluated: 2026-08-22. Review status: criteria provided, single submitter. Criteria: ACMG Guidelines, 2015. Collection method: clinical testing. Allele origin: germline.
Comment: The FOXC1 c.1171G>A variant is predicted to result in the amino acid substitution p.Gly391Arg. To our knowledge, this variant has not been reported in the literature or in a large population database (gnomAD), indicating this variant is rare. At this time, the clinical significance of this variant is uncertain due to the absence of conclusive functional and genetic evidence.

NM_001453.3(FOXC1):c.1171G>A (p.Gly391Arg)

Gene: FOXC1 (forkhead box C1; plus strand). Cytogenetic location: 6p25.3.
Variant type: single nucleotide variant.
Coding change: c.1171G>A on transcript NM_001453.3 (MANE Select); coding-DNA position 1171, G replaced by A.
Protein change: p.Gly391Arg; replaces glycine 391 with arginine.
Molecular consequence: missense variant.
Genome position (GRCh38, 1-based): chr6:1,611,616, G>A. VCF-style: chr6-1611616-G-A. GRCh37 (hg19) VCF-style: chr6-1611851-G-A.
Other names: short protein forms G391R.
Identifiers: ClinVar variation 4980965 (VCV004980965.1).
Genomic context (GRCh38, chr6:1,611,616, plus strand): 5'-GCGGGCAGCTCGGGCGGCGGCGGCGGCGGCGCGGGGGCCGCGGGGGGCGCGGGCGGCGCC[G>A]GGACCTACCACTGCAACCTGCAAGCCATGAGCCTGTACGCGGCCGGCGAGCGCGGGGGCC-3'
Protein context (NP_001444.2, residues 381-401): AGAAGGAGGA[Gly391Arg]TYHCNLQAMS